The following is an entry in ClinVar:

ClinVar aggregate classification (germline): Conflicting classifications of pathogenicity. Review status: criteria provided, conflicting classifications (1 of 4 stars). 3 submissions from 3 submitters: Uncertain significance (2); Likely benign (1). Last evaluated 2024-11-13.

Conditions:
Monogenic diabetes. Identifiers: Orphanet 183625, MedGen C3888631, MONDO:0015967.
Permanent neonatal diabetes mellitus-pancreatic and cerebellar agenesis syndrome. Also called: PANCREATIC AND CEREBELLAR AGENESIS. Identifiers: Orphanet 65288, MedGen C1836780, MONDO:0012192, OMIM 609069.

Allele frequency attached by ClinVar (database versions not stated): gnomAD 0.00013; TOPMed 0.00014; 1000 Genomes Project 30x 0.00016; 1000 Genomes Project 0.00020.

Submissions (3):

Blueprint Genetics
Classification: Likely benign. Last evaluated: 2024-11-13. Review status: criteria provided, single submitter. Criteria: ACMG Guidelines, 2015. Collection method: clinical testing. Allele origin: germline.

Personalized Diabetes Medicine Program, University of Maryland School of Medicine
Classification: Uncertain significance for Monogenic diabetes. Last evaluated: 2018-07-27. Review status: criteria provided, single submitter. Criteria: ACMG Guidelines, 2015. Collection method: research. Allele origin: unknown. Observed: 1 variant allele, 1 heterozygote.
Comment: ACMG criteria: (REVEL=0.456 + 8 PP3 predictors= conflicting evidence, not using) =VUS

Illumina Laboratory Services, Illumina
Classification: Uncertain significance for Permanent neonatal diabetes mellitus-pancreatic and cerebellar agenesis syndrome. Last evaluated: 2018-01-13. Review status: criteria provided, single submitter. Criteria: ICSL Variant Classification Criteria 13 December 2019. Collection method: clinical testing. Allele origin: germline.

NM_178161.3(PTF1A):c.960C>A (p.Asn320Lys)

Gene: PTF1A (pancreas associated transcription factor 1a; plus strand). Cytogenetic location: 10p12.2.
Variant type: single nucleotide variant.
Coding change: c.960C>A on transcript NM_178161.3 (MANE Select); coding-DNA position 960, C replaced by A.
Protein change: p.Asn320Lys; replaces asparagine 320 with lysine.
Molecular consequence: missense variant.
Genome position (GRCh38, 1-based): chr10:23,193,879, C>A. VCF-style: chr10-23193879-C-A. GRCh37 (hg19) VCF-style: chr10-23482808-C-A.
Other names: short protein forms N320K.
Identifiers: ClinVar variation 299627 (VCV000299627.8), dbSNP rs181911810, ClinGen allele CA5438657.